The following is an entry in ClinVar:

NM_001114134.2(EPB42):c.10+96C>T

Gene: EPB42 (erythrocyte membrane protein band 4.2; minus strand). Cytogenetic location: 15q15.2.
Variant type: single nucleotide variant.
Coding change: c.10+96C>T on transcript NM_001114134.2 (MANE Select); 96 bases into the intron after coding-DNA position 10, C replaced by T.
Molecular consequence: intron variant.
Genome position (GRCh38, 1-based): chr15:43,220,720, G>A on the plus strand (C>T on the coding strand, the complement: EPB42 is on the minus strand). VCF-style: chr15-43220720-G-A. GRCh37 (hg19) VCF-style: chr15-43512918-G-A.
Other names: c.100+6C>T (NM_000119.3).
Identifiers: ClinVar variation 2188652 (VCV002188652.4), dbSNP rs376592468, ClinGen allele CA7520717.

ClinVar aggregate classification (germline): Uncertain significance (1 of 4 stars; one submission).

Allele frequency attached by ClinVar (database versions not stated): gnomAD 0.00002; gnomAD exomes 0.00005; ExAC 0.00008; ESP Exome Variant Server 0.00008.
gnomAD v4.1: 56 of 1,286,354 alleles (0.0044%); highest among the groups gnomAD compares: Admixed American, 0.028%; no homozygotes.

Submission:

Labcorp Genetics (formerly Invitae), Labcorp
Classification: Uncertain significance. Last evaluated: 2022-03-04. Review status: criteria provided, single submitter. Criteria: Invitae Variant Classification Sherloc (09022015). Collection method: clinical testing. Allele origin: germline.
Comment: This sequence change falls in intron 1 of the EPB42 gene. It does not directly change the encoded amino acid sequence of the EPB42 protein. It affects a nucleotide within the consensus splice site. This variant is present in population databases (rs376592468, gnomAD 0.03%). This variant has not been reported in the literature in individuals affected with EPB42-related conditions. Variants that disrupt the consensus splice site are a relatively common cause of aberrant splicing (PMID: 17576681, 9536098). Algorithms developed to predict the effect of sequence changes on RNA splicing suggest that this variant is not likely to affect RNA splicing. In summary, the available evidence is currently insufficient to determine the role of this variant in disease. Therefore, it has been classified as a Variant of Uncertain Significance.

Literature cited by the submitters: PubMed 17576681; PubMed 9536098.